The following is an entry in ClinVar:

ClinVar aggregate classification (germline): Likely benign (1 of 4 stars; one submission).

Submission:

CeGaT Center for Human Genetics Tuebingen
Classification: Likely benign. Last evaluated: 2026-04-01. Review status: criteria provided, single submitter. Criteria: CeGaT Center For Human Genetics Tuebingen Variant Classification Criteria Version 2. Collection method: clinical testing. Allele origin: germline. Affected: yes. Observed: 4 variant alleles.
Comment: SOX4: PM2:Supporting, BP4, BP7

NM_003107.3(SOX4):c.501G>C (p.Gly167=)

Gene: SOX4 (SRY-box transcription factor 4; plus strand). Cytogenetic location: 6p22.3.
Variant type: single nucleotide variant.
Coding change: c.501G>C on transcript NM_003107.3 (MANE Select); coding-DNA position 501, G replaced by C.
Protein change: p.Gly167=; no amino-acid change (glycine 167 retained).
Molecular consequence: synonymous variant.
Genome position (GRCh38, 1-based): chr6:21,595,035, G>C. VCF-style: chr6-21595035-G-C. GRCh37 (hg19) VCF-style: chr6-21595266-G-C.
Identifiers: ClinVar variation 2656268 (VCV002656268.24), dbSNP rs943442751, ClinGen allele CA135863436.
Genomic context (GRCh38, chr6:21,595,035, plus strand): 5'-CTCCTCCAAGCCGGGGGAGAAGGGAGACAAGGTCGGTGGCAGTGGCGGGGGCGGCCATGG[G>C]GGCGGCGGCGGCGGCGGGAGCAGCAACGCGGGGGGAGGAGGCGGCGGTGCGAGTGGCGGC-3'
Protein context (NP_003098.1, residues 157-177): KVGGSGGGGH[Gly167=]GGGGGGSSNA